The following is an entry in ClinVar:

NM_015693.4(INTU):c.1260-8T>G

Genes: INTU (inturned planar cell polarity protein; plus strand), LOC126807151 (CDK7 strongly-dependent group 2 enhancer GRCh37_chr4:128607842-128609041; plus strand). Cytogenetic location: 4q28.1.
Variant type: single nucleotide variant.
Coding change: c.1260-8T>G on transcript NM_015693.4 (MANE Select); 8 bases into the intron before coding-DNA position 1260, T replaced by G.
Molecular consequence: intron variant.
Genome position (GRCh38, 1-based): chr4:127,687,670, T>G. VCF-style: chr4-127687670-T-G. GRCh37 (hg19) VCF-style: chr4-128608825-T-G.
Identifiers: ClinVar variation 2871584 (VCV002871584.3), dbSNP rs1729886381, ClinGen allele CA1492708169.

ClinVar aggregate classification (germline): Uncertain significance (1 of 4 stars; one submission).

Allele frequency attached by ClinVar (database versions not stated): gnomAD exomes below 0.00001; TOPMed 0.00001.
gnomAD v4.1: 1 of 1,601,536 alleles (0.000062%); highest among the groups gnomAD compares: Non-Finnish European, 0.000085%; no homozygotes.

Submission:

Labcorp Genetics (formerly Invitae), Labcorp
Classification: Uncertain significance. Last evaluated: 2025-09-13. Review status: criteria provided, single submitter. Criteria: Invitae Variant Classification Sherloc (09022015). Collection method: clinical testing. Allele origin: germline.
Comment: This sequence change falls in intron 7 of the INTU gene. It does not directly change the encoded amino acid sequence of the INTU protein. This variant is not present in population databases (gnomAD no frequency). This variant has not been reported in the literature in individuals affected with INTU-related conditions. ClinVar contains an entry for this variant (Variation ID: 2871584). Algorithms developed to predict the effect of sequence changes on RNA splicing suggest that this variant may disrupt the consensus splice site. In summary, the available evidence is currently insufficient to determine the role of this variant in disease. Therefore, it has been classified as a Variant of Uncertain Significance.